The following is an entry in ClinVar:

ClinVar aggregate classification (germline): Uncertain significance (1 of 4 stars; one submission).

Conditions:
Multiple endocrine neoplasia, type 1 (MEN1). Also called: MEA I; MEN I; WERMER SYNDROME; Endocrine adenomatosis multiple; MEN 1. Identifiers: Orphanet 652, MedGen C0025267, MeSH D018761, MONDO:0007540, OMIM 131100.

Submission:

Labcorp Genetics (formerly Invitae), Labcorp
Classification: Uncertain significance for Multiple endocrine neoplasia, type 1. Last evaluated: 2019-11-14. Review status: criteria provided, single submitter. Criteria: Invitae Variant Classification Sherloc (09022015). Collection method: clinical testing. Allele origin: germline.
Comment: This variant is not present in population databases (ExAC no frequency). This sequence change replaces glycine with alanine at codon 99 of the MEN1 protein (p.Gly99Ala). The glycine residue is highly conserved and there is a small physicochemical difference between glycine and alanine. In summary, the available evidence is currently insufficient to determine the role of this variant in disease. Therefore, it has been classified as a Variant of Uncertain Significance. Algorithms developed to predict the effect of missense changes on protein structure and function are either unavailable or do not agree on the potential impact of this missense change (SIFT: "Deleterious"; PolyPhen-2: "Possibly Damaging"; Align-GVGD: "Class C0"). This variant has not been reported in the literature in individuals with MEN1-related conditions.

NM_001370259.2(MEN1):c.296G>C (p.Gly99Ala)

Gene: MEN1 (menin 1; minus strand). Cytogenetic location: 11q13.1.
Variant type: single nucleotide variant.
Coding change: c.296G>C on transcript NM_001370259.2 (MANE Select); coding-DNA position 296, G replaced by C.
Protein change: p.Gly99Ala; replaces glycine 99 with alanine.
Molecular consequence: missense variant.
Genome position (GRCh38, 1-based): chr11:64,809,814, C>G on the plus strand (G>C on the coding strand, the complement: MEN1 is on the minus strand). VCF-style: chr11-64809814-C-G. GRCh37 (hg19) VCF-style: chr11-64577286-C-G.
Other names: c.296G>C, p.Gly99Ala (NM_001370260.2, NM_001370261.2, NM_001370262.2 and 9 more transcripts); short protein forms G99A.
Identifiers: ClinVar variation 964420 (VCV000964420.9), dbSNP rs1941992512, ClinGen allele CA381187460.